The following is an entry in ClinVar:

NM_004813.4(PEX16):c.464G>A (p.Gly155Asp)

Gene: PEX16 (peroxisomal biogenesis factor 16; minus strand). Cytogenetic location: 11p11.2.
Variant type: single nucleotide variant.
Coding change: c.464G>A on transcript NM_004813.4 (MANE Select); coding-DNA position 464, G replaced by A.
Protein change: p.Gly155Asp; replaces glycine 155 with aspartic acid.
Molecular consequence: missense variant.
Genome position (GRCh38, 1-based): chr11:45,914,681, C>T on the plus strand (G>A on the coding strand, the complement: PEX16 is on the minus strand). VCF-style: chr11-45914681-C-T. GRCh37 (hg19) VCF-style: chr11-45936232-C-T.
Other names: c.464G>A, p.Gly155Asp (NM_057174.3); short protein forms G155D.
Identifiers: ClinVar variation 1714697 (VCV001714697.6), dbSNP rs2494898885, ClinGen allele CA380227506.
Genomic context (GRCh38, chr11:45,914,681, plus strand): 5'-ACCACCCGGTTTGACCGCTTCCCCACGTAGGACTGCTCATGGTTGCCAGGGCTGTGGTCA[C>T]CATCTAGCAGGGATAGACAGAAGGCCATACAGTCAGAGGGACATGCTTCCAGCGGAGCCT-3'
Protein context (NP_004804.2, residues 145-165): DRETQAQPPD[Gly155Asp]DHSPGNHEQS

ClinVar aggregate classification (germline): Uncertain significance (1 of 4 stars; one submission).

Conditions:
Peroxisome biogenesis disorder. Identifiers: Orphanet 79189, MedGen C1832200, MONDO:0019234. Disease mechanism: loss of function.

Submission:

Labcorp Genetics (formerly Invitae), Labcorp
Classification: Uncertain significance for Peroxisome biogenesis disorder. Last evaluated: 2023-11-13. Review status: criteria provided, single submitter. Criteria: Invitae Variant Classification Sherloc (09022015). Collection method: clinical testing. Allele origin: germline.
Comment: This sequence change replaces glycine, which is neutral and non-polar, with aspartic acid, which is acidic and polar, at codon 155 of the PEX16 protein (p.Gly155Asp). This variant is not present in population databases (gnomAD no frequency). This variant has not been reported in the literature in individuals affected with PEX16-related conditions. ClinVar contains an entry for this variant (Variation ID: 1714697). Advanced modeling of protein sequence and biophysical properties (such as structural, functional, and spatial information, amino acid conservation, physicochemical variation, residue mobility, and thermodynamic stability) performed at Invitae indicates that this missense variant is not expected to disrupt PEX16 protein function with a negative predictive value of 80%. In summary, the available evidence is currently insufficient to determine the role of this variant in disease. Therefore, it has been classified as a Variant of Uncertain Significance.